The following is an entry in ClinVar:

NM_003265.3(TLR3):c.2711A>T (p.His904Leu)

Gene: TLR3 (toll like receptor 3; plus strand). Cytogenetic location: 4q35.1.
Variant type: single nucleotide variant.
Coding change: c.2711A>T on transcript NM_003265.3 (MANE Select); coding-DNA position 2711, A replaced by T.
Protein change: p.His904Leu; replaces histidine 904 with leucine.
Molecular consequence: missense variant.
Genome position (GRCh38, 1-based): chr4:186,084,869, A>T. VCF-style: chr4-186084869-A-T. GRCh37 (hg19) VCF-style: chr4-187006023-A-T.
Other names: short protein forms H904L.
Identifiers: ClinVar variation 1042211 (VCV001042211.9), dbSNP rs748458395, ClinGen allele CA3161631.
Genomic context (GRCh38, chr4:186,084,869, plus strand): 5'-AACGGATAGGTGCCTTTCGTCATAAATTGCAAGTAGCACTTGGATCCAAAAACTCTGTAC[A>T]TTAAATTTATTTAAATATTCAATTAGCAAAGGAGAAACTTTCTCAATTTAAAAAGTTCTA-3'
Protein context (NP_003256.1, residues 894-904): QVALGSKNSV[His904Leu]

ClinVar aggregate classification (germline): Uncertain significance (1 of 4 stars; one submission).

Conditions:
Encephalopathy, acute, infection-induced (herpes-specific), susceptibility to, 1. Also called: Herpes simplex encephalitis, susceptibility to, 1. Identifiers: Orphanet 1930, MedGen C2750180, MONDO:0024563, OMIM 610551.

Allele frequency attached by ClinVar (database versions not stated): ExAC 0.00001; TOPMed 0.00001; gnomAD 0.00001.

Submission:

Labcorp Genetics (formerly Invitae), Labcorp
Classification: Uncertain significance for Encephalopathy, acute, infection-induced (herpes-specific), susceptibility to, 1. Last evaluated: 2023-12-11. Review status: criteria provided, single submitter. Criteria: Invitae Variant Classification Sherloc (09022015). Collection method: clinical testing. Allele origin: germline.
Comment: This sequence change replaces histidine, which is basic and polar, with leucine, which is neutral and non-polar, at codon 904 of the TLR3 protein (p.His904Leu). This variant is present in population databases (rs748458395, gnomAD 0.003%). This variant has not been reported in the literature in individuals affected with TLR3-related conditions. ClinVar contains an entry for this variant (Variation ID: 1042211). An algorithm developed to predict the effect of missense changes on protein structure and function (PolyPhen-2) suggests that this variant is likely to be tolerated. In summary, the available evidence is currently insufficient to determine the role of this variant in disease. Therefore, it has been classified as a Variant of Uncertain Significance.